The following is an entry in ClinVar:

ClinVar aggregate classification (germline): Pathogenic (1 of 4 stars; one submission).

Conditions:
Walker-Warburg congenital muscular dystrophy. Also called: Muscular dystrophy-dystroglycanopathy, type A; Walker-Warburg syndrome. Identifiers: Orphanet 899, MedGen C0265221, MONDO:0000171.

Submission:

Labcorp Genetics (formerly Invitae), Labcorp
Classification: Pathogenic for Walker-Warburg congenital muscular dystrophy. Last evaluated: 2022-07-05. Review status: criteria provided, single submitter. Criteria: Invitae Variant Classification Sherloc (09022015). Collection method: clinical testing. Allele origin: germline.
Comment: This sequence change creates a premature translational stop signal (p.Cys317Leufs*73) in the FKRP gene. While this is not anticipated to result in nonsense mediated decay, it is expected to disrupt the last 179 amino acid(s) of the FKRP protein. This variant is not present in population databases (gnomAD no frequency). This variant has not been reported in the literature in individuals affected with FKRP-related conditions. ClinVar contains an entry for this variant (Variation ID: 1072170). This variant disrupts a region of the FKRP protein in which other variant(s) (p.Ser385*) have been determined to be pathogenic (PMID: 11592034, 12666124, 12707425, 14742276). This suggests that this is a clinically significant region of the protein, and that variants that disrupt it are likely to be disease-causing. For these reasons, this variant has been classified as Pathogenic.

Literature cited by the submitters: PubMed 11592034; PubMed 12666124; PubMed 12707425; PubMed 14742276.

NM_024301.5(FKRP):c.947_948insA (p.Cys317fs)

Gene: FKRP (fukutin related protein; plus strand). Cytogenetic location: 19q13.32.
Variant type: Insertion.
Coding change: c.947_948insA on transcript NM_024301.5 (MANE Select); coding-DNA positions 947 to 948, A inserted.
Protein change: p.Cys317fs; shifts the reading frame from cysteine 317.
Molecular consequence: frameshift variant.
Genome position: GRCh38 VCF-style: chr19-46756397-C-CA. GRCh37 (hg19) VCF-style: chr19-47259654-C-CA.
Other names: c.947_948insA, p.Cys317fs (NM_001039885.3); short protein forms C317fs.
Identifiers: ClinVar variation 1072170 (VCV001072170.9), dbSNP rs2122627673, ClinGen allele CA2499225525.